The following is an entry in ClinVar:

ClinVar aggregate classification (germline): Likely benign (0 of 4 stars; one submission).

Conditions:
DMD-related disorder. Also called: DMD-related condition.

Allele frequency attached by ClinVar (database versions not stated): 1000 Genomes Project 30x 0.00021; TOPMed 0.00054.
gnomAD v4.1: 37 of 111,274 alleles (0.033%); highest among the groups gnomAD compares: African/African-American, 0.12%; no homozygotes.

Submission:

PreventionGenetics, part of Exact Sciences
Classification: Likely benign for DMD-related condition. Last evaluated: 2022-04-13. Review status: no assertion criteria provided. Collection method: clinical testing. Allele origin: germline.
Comment: This variant is classified as likely benign based on ACMG/AMP sequence variant interpretation guidelines (Richards et al. 2015 PMID: 25741868, with internal and published modifications).

NM_004006.3(DMD):c.8217+32101G>A

Gene: DMD (dystrophin; minus strand). Cytogenetic location: Xp21.1.
Variant type: single nucleotide variant.
Coding change: c.8217+32101G>A on transcript NM_004006.3 (MANE Select); 32101 bases into the intron after coding-DNA position 8217, G replaced by A.
Molecular consequence: intron variant.
Genome position (GRCh38, 1-based): chrX:31,595,572, C>T on the plus strand (G>A on the coding strand, the complement: DMD is on the minus strand). VCF-style: chrX-31595572-C-T. GRCh37 (hg19) VCF-style: chrX-31613689-C-T.
Other names: c.8193+32101G>A (NM_000109.4); c.4194+32101G>A (NM_004011.4); c.4185+32101G>A (NM_004012.4); c.837+32101G>A (NM_004023.3, NM_004020.4, NM_004022.3 and 2 more transcripts); c.8205+32101G>A (NM_004009.3); c.7848+32101G>A (NM_004010.3).
Identifiers: ClinVar variation 3056573 (VCV003056573.2), dbSNP rs1010257474, ClinGen allele CA328455888.